The following is an entry in ClinVar:

ClinVar aggregate classification (germline): Likely benign (1 of 4 stars; one submission).

Submission:

CeGaT Center for Human Genetics Tuebingen
Classification: Likely benign. Last evaluated: 2022-11-01. Review status: criteria provided, single submitter. Criteria: CeGaT Center For Human Genetics Tuebingen Variant Classification Criteria Version 2. Collection method: clinical testing. Allele origin: germline. Affected: yes. Observed: 1 variant allele.
Comment: SPIN2A: PM2:Supporting, BP4, BP7

NM_019003.5(SPIN2A):c.210A>C (p.Gly70=)

Genes: FAAH2 (fatty acid amide hydrolase 2; plus strand), SPIN2A (spindlin family member 2A; minus strand). Cytogenetic location: Xp11.21.
Variant type: single nucleotide variant.
Coding change: c.210A>C on transcript NM_019003.5 (MANE Select); coding-DNA position 210, A replaced by C.
Protein change: p.Gly70=; no amino-acid change (glycine 70 retained).
Molecular consequence: synonymous variant.
Genome position (GRCh38, 1-based): chrX:57,136,388, T>G on the plus strand (A>C on the coding strand, the complement: SPIN2A is on the minus strand). VCF-style: chrX-57136388-T-G. GRCh37 (hg19) VCF-style: chrX-57162821-T-G.
Identifiers: ClinVar variation 2660713 (VCV002660713.24), dbSNP rs2519422794, ClinGen allele CA516702722.